The following is an entry in ClinVar:

NM_000091.5(COL4A3):c.953G>A (p.Gly318Asp)

Genes: MFF-DT (MFF divergent transcript; minus strand), COL4A3 (collagen type IV alpha 3 chain; plus strand). Cytogenetic location: 2q36.3.
Variant type: single nucleotide variant.
Coding change: c.953G>A on transcript NM_000091.5 (MANE Select); coding-DNA position 953, G replaced by A.
Protein change: p.Gly318Asp; replaces glycine 318 with aspartic acid.
Molecular consequence: missense variant.
Genome position (GRCh38, 1-based): chr2:227,256,362, G>A. VCF-style: chr2-227256362-G-A. GRCh37 (hg19) VCF-style: chr2-228121078-G-A.
Other names: c.953G>A (NM_000091.4); short protein forms G318D.
Identifiers: ClinVar variation 562344 (VCV000562344.4), dbSNP rs1559872489, ClinGen allele CA350867215.
Genomic context (GRCh38, chr2:227,256,362, plus strand): 5'-CCTGTGTCTTCTGACCCATTTCTTTTTGTTCTTTTCTTTAGGGAGTCAAGGGCAACAGGG[G>A]TTTCCCTGGGTTAATGGGTGAAGATGGCATTAAGGTAATCCTCTCCCTAATAGCCTATTT-3'
Protein context (NP_000082.2, residues 308-328): PGSEGVKGNR[Gly318Asp]FPGLMGEDGI

ClinVar aggregate classification (germline): Likely pathogenic. Review status: criteria provided, multiple submitters, no conflicts (2 of 4 stars). 3 submissions from 3 submitters: Likely pathogenic (2). 1 of the submissions does not count toward it. Last evaluated 2025-08-22.

Conditions:
Alport syndrome. Also called: Hemorrhagic familial nephritis; Hemorrhagic hereditary nephritis; Congenital hereditary hematuria. Identifiers: Orphanet 63, MedGen C1567741, MONDO:0018965.
Hematuria, benign familial, 2 (BFH2). Identifiers: MedGen C5830421, MONDO:0958186, OMIM 620320.
Alport syndrome 3b, autosomal recessive. Identifiers: MedGen C5882699, MONDO:0957811, OMIM 620536.
Autosomal dominant Alport syndrome (ATS3A). Also called: ALPORT SYNDROME 3A, AUTOSOMAL DOMINANT; Alport syndrome dominant type; Renal failure and sensorineural hearing loss. Identifiers: Orphanet 63, Orphanet 88918, MedGen C5882663, MONDO:0007086, OMIM 104200.

Allele frequency attached by ClinVar (database versions not stated): gnomAD exomes below 0.00001.
gnomAD v4.1: 1 of 1,613,572 alleles (0.000062%); highest among the groups gnomAD compares: South Asian, 0.0011%; no homozygotes.

Submissions (3):

Natera, Inc.
Classification: Likely pathogenic for Alport syndrome. Last evaluated: 2025-08-22. Review status: criteria provided, single submitter. Criteria: Natera Variant Classification Schema (03/2026). Collection method: clinical testing. Allele origin: germline.
Comment: The c.953G>A variant in COL4A3 is a missense variant predicted to cause substitution of glycine to aspartic acid at amino acid 318. This variant is rare in the general population with a frequency below the threshold expected for the associated phenotype(s). This variant has been observed in one or more individuals affected with the associated recessive disease, as either homozygous or compound heterozygous with a second variant (PMID: 36758113). This variant is located in a functionally critical region of the protein. Computational prediction algorithms indicate this variant is likely to affect gene or protein function. Given the available evidence, this variant is classified as Likely Pathogenic.

Fulgent Genetics
Classification: Likely pathogenic for Autosomal dominant Alport syndrome; Hematuria, benign familial, 2; Alport syndrome 3b, autosomal recessive. Last evaluated: 2024-05-03. Review status: criteria provided, single submitter. Criteria: ACMG Guidelines, 2015. Collection method: clinical testing. Allele origin: germline.

Gharavi Laboratory, Columbia University
Classification: Likely pathogenic. Last evaluated: 2018-09-16. Review status: no assertion criteria provided. Criteria: ACMG Guidelines, 2015. Collection method: research. Allele origin: germline. Affected: yes. Not counted in ClinVar's aggregate classification.

Literature cited by the submitters: PubMed 36758113 (cited by Natera, Inc.).